The following is an entry in ClinVar:

ClinVar aggregate classification (germline): Uncertain significance (1 of 4 stars; one submission).

Submission:

CeGaT Center for Human Genetics Tuebingen
Classification: Uncertain significance. Last evaluated: 2026-05-01. Review status: criteria provided, single submitter. Criteria: CeGaT Center For Human Genetics Tuebingen Variant Classification Criteria Version 2. Collection method: clinical testing. Allele origin: germline. Affected: yes. Observed: 1 variant allele.
Comment: VSX1: PM2

NM_014588.6(VSX1):c.723G>A (p.Met241Ile)

Gene: VSX1 (visual system homeobox 1; minus strand). Cytogenetic location: 20p11.21.
Variant type: single nucleotide variant.
Coding change: c.723G>A on transcript NM_014588.6 (MANE Select); coding-DNA position 723, G replaced by A.
Protein change: p.Met241Ile; replaces methionine 241 with isoleucine.
Molecular consequence: missense variant. On other transcripts: non-coding transcript variant (4), intron variant (1).
Genome position (GRCh38, 1-based): chr20:25,077,770, C>T on the plus strand (G>A on the coding strand, the complement: VSX1 is on the minus strand). VCF-style: chr20-25077770-C-T. GRCh37 (hg19) VCF-style: chr20-25058406-C-T.
Other names: c.723G>A, p.Met241Ile (NM_001256272.2); c.30G>A, p.Met10Ile (NM_001378633.1); c.627+1059G>A (NM_001256271.2); short protein forms M10I, M241I.
Identifiers: ClinVar variation 4874954 (VCV004874954.2).
Genomic context (GRCh38, chr20:25,077,770, plus strand): 5'-CAGCAGGCCGCCCTCGGCGGAGTTGAGCACGGAGTCTGGCAGCGGGATGCAGTGGCGCAC[C>T]ATGGCCCCGTACAGCCCGTACTCGGCCATCACGCTGCTGCCGCCCCAGCGCTTCTCCCGC-3'
Protein context (NP_055403.2, residues 231-251): VMAEYGLYGA[Met241Ile]VRHCIPLPDS